The following is an entry in ClinVar:

ClinVar aggregate classification (germline): Benign (1 of 4 stars; one submission).

Conditions:
Multiple synostoses syndrome 3 (SYNS3). Identifiers: Orphanet 3237, MedGen C2751826, MONDO:0013064, OMIM 612961.

Allele frequency attached by ClinVar (database versions not stated): gnomAD 0.00024 and 0.00034; TOPMed 0.00059; 1000 Genomes Project 0.00060; 1000 Genomes Project 30x 0.00141.
gnomAD v4.1: 51 of 152,356 alleles (0.033%); highest among the groups gnomAD compares: East Asian, 0.89%; no homozygotes.

Submission:

Illumina Laboratory Services, Illumina
Classification: Benign for Multiple synostoses syndrome 3. Last evaluated: 2018-01-12. Review status: criteria provided, single submitter. Criteria: ICSL Variant Classification Criteria 13 December 2019. Collection method: clinical testing. Allele origin: germline.
Comment: This variant was observed in the ICSL laboratory as part of a predisposition screen in an ostensibly healthy population. It had not been previously curated by ICSL or reported in the Human Gene Mutation Database (HGMD: prior to June 1st, 2018), and was therefore a candidate for classification through an automated scoring system. Utilizing variant allele frequency, disease prevalence and penetrance estimates, and inheritance mode, an automated score was calculated to assess if this variant is too frequent to cause the disease. Based on the score and internal cut-off values, a variant classified as benign is not then subjected to further curation. The score for this variant resulted in a classification of benign for this disease.

NM_002010.3(FGF9):c.-726C>T

Gene: FGF9 (fibroblast growth factor 9; plus strand). Cytogenetic location: 13q12.11.
Variant type: single nucleotide variant.
Coding change: c.-726C>T on transcript NM_002010.3 (MANE Select); 726 bases upstream of the start codon, C replaced by T.
Molecular consequence: 5 prime UTR variant.
Genome position (GRCh38, 1-based): chr13:21,671,187, C>T. VCF-style: chr13-21671187-C-T. GRCh37 (hg19) VCF-style: chr13-22245326-C-T.
Identifiers: ClinVar variation 311404 (VCV000311404.5), dbSNP rs531745333, ClinGen allele CA10633984.